The following is an entry in ClinVar:

ClinVar aggregate classification (germline): Conflicting classifications of pathogenicity. Review status: criteria provided, conflicting classifications (1 of 4 stars). 2 submissions from 2 submitters: Uncertain significance (1); Likely benign (1). Last evaluated 2025-11-13.

Conditions:
Hereditary cancer-predisposing syndrome. Also called: Hereditary neoplastic syndrome; Neoplastic Syndromes, Hereditary; Tumor predisposition; Hereditary Cancer Syndrome. Identifiers: Orphanet 140162, MedGen C0027672, MeSH D009386, MONDO:0015356.
Familial meningioma. Also called: Meningioma, familial, susceptibility to. Identifiers: Orphanet 263662, MedGen C3551915, MONDO:0011789, OMIM 607174.

Allele frequency attached by ClinVar (database versions not stated): gnomAD exomes below 0.00001; TOPMed 0.00001.
gnomAD v4.1: 1 of 1,610,760 alleles (0.000062%); highest among the groups gnomAD compares: Non-Finnish European, 0.000085%; no homozygotes.

Submissions (2):

Labcorp Genetics (formerly Invitae), Labcorp
Classification: Uncertain significance for Familial meningioma. Last evaluated: 2025-11-13. Review status: criteria provided, single submitter. Criteria: Invitae Variant Classification Sherloc (09022015). Collection method: clinical testing. Allele origin: germline.
Comment: This sequence change replaces cysteine, which is neutral and slightly polar, with tyrosine, which is neutral and polar, at codon 274 of the SMARCE1 protein (p.Cys274Tyr). This variant is not present in population databases (gnomAD no frequency). This variant has not been reported in the literature in individuals affected with SMARCE1-related conditions. ClinVar contains an entry for this variant (Variation ID: 532247). Invitae Evidence Modeling of protein sequence and biophysical properties (such as structural, functional, and spatial information, amino acid conservation, physicochemical variation, residue mobility, and thermodynamic stability) indicates that this missense variant is expected to disrupt SMARCE1 protein function with a positive predictive value of 80%. In summary, the available evidence is currently insufficient to determine the role of this variant in disease. Therefore, it has been classified as a Variant of Uncertain Significance.

Ambry Genetics
Classification: Likely benign for Hereditary cancer-predisposing syndrome. Last evaluated: 2023-02-13. Review status: criteria provided, single submitter. Criteria: Ambry Variant Classification Scheme 2023. Collection method: clinical testing. Allele origin: germline.

NM_003079.5(SMARCE1):c.821G>A (p.Cys274Tyr)

Gene: SMARCE1 (SWI/SNF related BAF chromatin remodeling complex subunit E1; minus strand). Cytogenetic location: 17q21.2.
Variant type: single nucleotide variant.
Coding change: c.821G>A on transcript NM_003079.5 (MANE Select); coding-DNA position 821, G replaced by A.
Protein change: p.Cys274Tyr; replaces cysteine 274 with tyrosine.
Molecular consequence: missense variant.
Genome position (GRCh38, 1-based): chr17:40,630,920, C>T on the plus strand (G>A on the coding strand, the complement: SMARCE1 is on the minus strand). VCF-style: chr17-40630920-C-T. GRCh37 (hg19) VCF-style: chr17-38787172-C-T.
Other names: short protein forms C274Y.
Identifiers: ClinVar variation 532247 (VCV000532247.13), dbSNP rs1413987767, ClinGen allele CA399363995.